The following is an entry in ClinVar:

NM_001291415.2(KDM6A):c.1318A>G (p.Thr440Ala)

Gene: KDM6A (lysine demethylase 6A; plus strand). Cytogenetic location: Xp11.3.
Variant type: single nucleotide variant.
Coding change: c.1318A>G on transcript NM_001291415.2 (MANE Select); coding-DNA position 1318, A replaced by G.
Protein change: p.Thr440Ala; replaces threonine 440 with alanine.
Molecular consequence: missense variant. On other transcripts: intron variant (6).
Genome position (GRCh38, 1-based): chrX:45,060,145, A>G. VCF-style: chrX-45060145-A-G. GRCh37 (hg19) VCF-style: chrX-44919390-A-G.
Other names: c.1318A>G, p.Thr440Ala (NM_001410742.1, NM_001419809.1, NM_001419810.1 and 4 more transcripts); c.1195-464A>G (NM_001419811.1, NM_001291416.2); c.1194+679A>G (NM_001291417.2, NM_001419815.1, NM_001291418.2); c.441+679A>G (NM_001291421.2); short protein forms T440A.
Identifiers: ClinVar variation 3348990 (VCV003348990.1).

ClinVar aggregate classification (germline): Uncertain significance (0 of 4 stars; one submission).

Conditions:
KDM6A-related disorder. Also called: KDM6A-related condition.

gnomAD v4.1: 1 of 1,211,778 alleles (0.000083%); highest among the groups gnomAD compares: Non-Finnish European, 0.00011%; no homozygotes.

Submission:

PreventionGenetics, part of Exact Sciences
Classification: Uncertain significance for KDM6A-related condition. Last evaluated: 2024-08-14. Review status: no assertion criteria provided. Collection method: clinical testing. Allele origin: germline.
Comment: The KDM6A c.1318A>G variant is predicted to result in the amino acid substitution p.Thr440Ala. To our knowledge, this variant has not been reported in the literature or in a large population database, indicating this variant is rare. At this time, the clinical significance of this variant is uncertain due to the absence of conclusive functional and genetic evidence.